The following is an entry in ClinVar:

NM_015278.5(SASH1):c.2994C>T (p.Asn998=)

Gene: SASH1 (SAM and SH3 domain containing 1; plus strand). Cytogenetic location: 6q25.1.
Variant type: single nucleotide variant.
Coding change: c.2994C>T on transcript NM_015278.5 (MANE Select); coding-DNA position 2994, C replaced by T.
Protein change: p.Asn998=; no amino-acid change (asparagine 998 retained).
Molecular consequence: synonymous variant.
Genome position (GRCh38, 1-based): chr6:148,544,464, C>T. VCF-style: chr6-148544464-C-T. GRCh37 (hg19) VCF-style: chr6-148865600-C-T.
Other names: c.2859C>T, p.Asn953= (NM_001346505.2); c.2622C>T, p.Asn874= (NM_001346506.2); c.2277C>T, p.Asn759= (NM_001346507.2); c.2766C>T, p.Asn922= (NM_001346508.2); c.2643C>T, p.Asn881= (NM_001346509.2).
Identifiers: ClinVar variation 3045252 (VCV003045252.3), dbSNP rs61996301, ClinGen allele CA4040721.

ClinVar aggregate classification (germline): Likely benign. Review status: criteria provided, single submitter (1 of 4 stars). 2 submissions from 2 submitters: Likely benign (1). 1 of the submissions does not count toward it. Last evaluated 2024-09-18.

Conditions:
SASH1-related disorder. Also called: SASH1-related condition.

Allele frequency attached by ClinVar (database versions not stated): gnomAD exomes 0.00013; ExAC 0.00046; 1000 Genomes Project 30x 0.00094; 1000 Genomes Project 0.00120; ESP Exome Variant Server 0.00131; gnomAD 0.00151; TOPMed 0.00162.
gnomAD v4.1: 425 of 1,614,146 alleles (0.026%); highest among the groups gnomAD compares: African/African-American, 0.47%; no homozygotes.

Submissions (2):

Blueprint Genetics
Classification: Likely benign. Last evaluated: 2024-09-18. Review status: criteria provided, single submitter. Criteria: ACMG Guidelines, 2015. Collection method: clinical testing. Allele origin: germline.

PreventionGenetics, part of Exact Sciences
Classification: Likely benign for SASH1-related condition. Last evaluated: 2019-10-04. Review status: no assertion criteria provided. Collection method: clinical testing. Allele origin: germline. Not counted in ClinVar's aggregate classification.
Comment: This variant is classified as likely benign based on ACMG/AMP sequence variant interpretation guidelines (Richards et al. 2015 PMID: 25741868, with internal and published modifications).